The following is an entry in ClinVar:

ClinVar aggregate classification (germline): Likely pathogenic (1 of 4 stars; one submission).

Conditions:
Familial thoracic aortic aneurysm and aortic dissection (TAAD). Also called: Thoracic aortic aneurysms and dissections. Identifiers: Orphanet 91387, MedGen C4707243, MONDO:0019625.

Submission:

Ambry Genetics
Classification: Likely pathogenic for Familial thoracic aortic aneurysm and aortic dissection. Last evaluated: 2024-11-21. Review status: criteria provided, single submitter. Criteria: Ambry Variant Classification Scheme 2023. Collection method: clinical testing. Allele origin: germline.
Comment: The c.8436dupC variant, located in coding exon 65 of the FBN1 gene, results from a duplication of C at nucleotide position 8436, causing a translational frameshift with a predicted alternate stop codon (p.S2813Qfs*21). This alteration occurs at the 3' terminus of theFBN1 gene, is not expected to trigger nonsense-mediated mRNA decay, and only impacts the last 2% of the protein. However, premature stop codons are typically deleterious in nature and the impacted region is critical for protein function (Ambry internal data). This variant (also referred to as c.8437insC) has been observed in at least one individual with a personal and/or family history that is consistent with Marfan syndrome (M&aacute;ty&aacute;s G et al. Hum Mutat, 2002 Apr;19:443-56; Ambry internal data). This variant is considered to be rare based on population cohorts in the Genome Aggregation Database (gnomAD). Based on the majority of available evidence to date, this variant is likely to be pathogenic.

Literature cited by the submitters: PubMed 11933199.

NM_000138.5(FBN1):c.8436dup (p.Ser2813fs)

Gene: FBN1 (fibrillin 1; minus strand). Cytogenetic location: 15q21.1.
Variant type: Duplication.
Coding change: c.8436dup on transcript NM_000138.5 (MANE Select); coding-DNA position 8436, one base duplicated (C; older notation c.8436dupC).
Protein change: p.Ser2813fs; shifts the reading frame from serine 2813.
Molecular consequence: frameshift variant.
Genome position (GRCh38, 1-based): chr15:48,411,170, G duplicated on the plus strand (C on the coding strand, the reverse complement: FBN1 is on the minus strand). VCF-style (leftmost placement, unchanged base first): chr15-48411169-T-TG. GRCh37 (hg19) VCF-style: chr15-48703366-T-TG.
Other names: c.8436dup, p.Ser2813fs (NM_001406716.1); c.8436dupC (NM_000138.4); short protein forms S2813fs.
Identifiers: ClinVar variation 3513585 (VCV003513585.1).